The following is an entry in ClinVar:

ClinVar aggregate classification (germline): Uncertain significance (1 of 4 stars; one submission).

Conditions:
Dilated cardiomyopathy 1G (CMD1G). Identifiers: Orphanet 154, MedGen C1858763, MONDO:0011400, OMIM 604145.
Autosomal recessive limb-girdle muscular dystrophy type 2J (LGMDR10). Also called: Limb-girdle muscular dystrophy, type 2J; MUSCULAR DYSTROPHY, LIMB-GIRDLE, AUTOSOMAL RECESSIVE 10. Identifiers: Orphanet 140922, MedGen C1837342, MONDO:0012127, OMIM 608807.

Allele frequency attached by ClinVar (database versions not stated): gnomAD exomes below 0.00001; TOPMed 0.00002.

Submission:

Labcorp Genetics (formerly Invitae), Labcorp
Classification: Uncertain significance for Dilated cardiomyopathy 1G; Autosomal recessive limb-girdle muscular dystrophy type 2J. Last evaluated: 2025-04-17. Review status: criteria provided, single submitter. Criteria: Invitae Variant Classification Sherloc (09022015). Collection method: clinical testing. Allele origin: germline.
Comment: This sequence change replaces alanine, which is neutral and non-polar, with valine, which is neutral and non-polar, at codon 33807 of the TTN protein (p.Ala33807Val). This variant is present in population databases (no rsID available, gnomAD 0.0009%). This variant has not been reported in the literature in individuals affected with TTN-related conditions. ClinVar contains an entry for this variant (Variation ID: 1518665). Experimental studies and prediction algorithms are not available or were not evaluated, and the functional significance of this variant is currently unknown. This variant is located in the M band of TTN (PMID: 25589632). Non-truncating variants in this region may be relevant for neuromuscular disorders, but have not been definitively shown to cause cardiomyopathy (PMID: 23975875). In summary, the available evidence is currently insufficient to determine the role of this variant in disease. Therefore, it has been classified as a Variant of Uncertain Significance.

Literature cited by the submitters: PubMed 25589632; PubMed 23975875.

NM_001267550.2(TTN):c.101420C>T (p.Ala33807Val)

Genes: TTN (titin; minus strand), TTN-AS1 (TTN antisense RNA 1; plus strand). Cytogenetic location: 2q31.2.
Variant type: single nucleotide variant.
Coding change: c.101420C>T on transcript NM_001267550.2 (MANE Select); coding-DNA position 101420, C replaced by T.
Protein change: p.Ala33807Val; replaces alanine 33807 with valine.
Molecular consequence: missense variant.
Genome position (GRCh38, 1-based): chr2:178,535,195, G>A on the plus strand (C>T on the coding strand, the complement: TTN is on the minus strand). VCF-style: chr2-178535195-G-A. GRCh37 (hg19) VCF-style: chr2-179399922-G-A.
Other names: c.96497C>T, p.Ala32166Val (NM_001256850.1); c.74225C>T, p.Ala24742Val (NM_003319.4); c.93716C>T, p.Ala31239Val (NM_133378.4); c.74600C>T, p.Ala24867Val (NM_133432.3); c.74801C>T, p.Ala24934Val (NM_133437.4); short protein forms A24867V, A31239V, A24742V, A32166V, A24934V, A33807V.
Identifiers: ClinVar variation 1518665 (VCV001518665.6), dbSNP rs1351679447, ClinGen allele CA349420747.